The following is an entry in ClinVar:

NM_001330239.4(TJP1):c.3070G>A (p.Val1024Ile)

Genes: TJP1 (tight junction protein 1; minus strand), LOC126862085 (P300/CBP strongly-dependent group 1 enhancer GRCh37_chr15:30010173-30011372; plus strand). Cytogenetic location: 15q13.1.
Variant type: single nucleotide variant.
Coding change: c.3070G>A on transcript NM_001330239.4 (MANE Select); coding-DNA position 3070, G replaced by A.
Protein change: p.Val1024Ile; replaces valine 1024 with isoleucine.
Molecular consequence: missense variant.
Genome position (GRCh38, 1-based): chr15:29,719,072, C>T on the plus strand (G>A on the coding strand, the complement: TJP1 is on the minus strand). VCF-style: chr15-29719072-C-T. GRCh37 (hg19) VCF-style: chr15-30011276-C-T.
Other names: c.3349G>A, p.Val1117Ile (NM_001355012.2, NM_001301025.3); c.3082G>A, p.Val1028Ile (NM_001355013.1); c.3070G>A, p.Val1024Ile (NM_001355014.2, NM_003257.5); c.2830G>A, p.Val944Ile (NM_001355015.2, NM_175610.4); c.2842G>A, p.Val948Ile (NM_001301026.2); c.3070G>A (NM_003257.3); short protein forms V1024I, V1028I, V1117I, V944I, V948I.
Identifiers: ClinVar variation 3039763 (VCV003039763.3), dbSNP rs138589868, ClinGen allele CA7446865.

ClinVar aggregate classification (germline): Uncertain significance. Review status: criteria provided, single submitter (1 of 4 stars). 2 submissions from 2 submitters: Uncertain significance (1). 1 of the submissions does not count toward it. Last evaluated 2025-11-12.

Conditions:
TJP1-related disorder. Also called: TJP1-related condition.

Allele frequency attached by ClinVar (database versions not stated): gnomAD exomes 0.00021; ExAC 0.00057; 1000 Genomes Project 0.00339; 1000 Genomes Project 30x 0.00344; ESP Exome Variant Server 0.00122; gnomAD 0.00208; TOPMed 0.00225.
gnomAD v4.1: 637 of 1,614,128 alleles (0.039%); highest among the groups gnomAD compares: African/African-American, 0.72%; 3 homozygotes.

Submissions (2):

Ambry Genetics
Classification: Uncertain significance. Last evaluated: 2025-11-12. Review status: criteria provided, single submitter. Criteria: Ambry Variant Classification Scheme 2023. Collection method: clinical testing. Allele origin: germline.

PreventionGenetics, part of Exact Sciences
Classification: Likely benign for TJP1-related condition. Last evaluated: 2019-10-28. Review status: no assertion criteria provided. Collection method: clinical testing. Allele origin: germline. Not counted in ClinVar's aggregate classification.
Comment: This variant is classified as likely benign based on ACMG/AMP sequence variant interpretation guidelines (Richards et al. 2015 PMID: 25741868, with internal and published modifications).